The following is an entry in ClinVar:

ClinVar aggregate classification (germline): Uncertain significance. Review status: criteria provided, multiple submitters, no conflicts (2 of 4 stars). 3 submissions from 3 submitters: Uncertain significance (3). Last evaluated 2025-08-29.

Conditions:
Inborn genetic diseases. Identifiers: MedGen C0950123, MeSH D030342.

Allele frequency attached by ClinVar (database versions not stated): gnomAD 0.00002; ExAC 0.00003; gnomAD exomes 0.00003 and 0.00007; TOPMed 0.00003; ESP Exome Variant Server 0.00008.
gnomAD v4.1: 111 of 1,613,628 alleles (0.0069%); highest among the groups gnomAD compares: Non-Finnish European, 0.0087%; no homozygotes.

Submissions (3):

Ambry Genetics
Classification: Uncertain significance for Inborn genetic diseases. Last evaluated: 2025-08-29. Review status: criteria provided, single submitter. Criteria: Ambry Variant Classification Scheme 2023. Collection method: clinical testing. Allele origin: germline.

Labcorp Genetics (formerly Invitae), Labcorp
Classification: Uncertain significance. Last evaluated: 2023-12-11. Review status: criteria provided, single submitter. Criteria: Invitae Variant Classification Sherloc (09022015). Collection method: clinical testing. Allele origin: germline.
Comment: This sequence change replaces threonine, which is neutral and polar, with alanine, which is neutral and non-polar, at codon 162 of the MTFMT protein (p.Thr162Ala). This variant is present in population databases (rs200850450, gnomAD 0.006%). This variant has not been reported in the literature in individuals affected with MTFMT-related conditions. ClinVar contains an entry for this variant (Variation ID: 1254759). Advanced modeling of protein sequence and biophysical properties (such as structural, functional, and spatial information, amino acid conservation, physicochemical variation, residue mobility, and thermodynamic stability) has been performed at Invitae for this missense variant, however the output from this modeling did not meet the statistical confidence thresholds required to predict the impact of this variant on MTFMT protein function. In summary, the available evidence is currently insufficient to determine the role of this variant in disease. Therefore, it has been classified as a Variant of Uncertain Significance.

GeneDx
Classification: Uncertain significance. Last evaluated: 2021-08-05. Review status: criteria provided, single submitter. Criteria: GeneDx Variant Classification Process June 2021. Collection method: clinical testing. Allele origin: germline. Affected: yes.
Comment: Not observed at significant frequency in large population cohorts (Lek et al., 2016); In silico analysis supports that this missense variant does not alter protein structure/function; Has not been previously published as pathogenic or benign to our knowledge

NM_139242.4(MTFMT):c.484A>G (p.Thr162Ala)

Gene: MTFMT (mitochondrial methionyl-tRNA formyltransferase; minus strand). Cytogenetic location: 15q22.31.
Variant type: single nucleotide variant.
Coding change: c.484A>G on transcript NM_139242.4 (MANE Select); coding-DNA position 484, A replaced by G.
Protein change: p.Thr162Ala; replaces threonine 162 with alanine.
Molecular consequence: missense variant.
Genome position (GRCh38, 1-based): chr15:65,023,730, T>C on the plus strand (A>G on the coding strand, the complement: MTFMT is on the minus strand). VCF-style: chr15-65023730-T-C. GRCh37 (hg19) VCF-style: chr15-65316068-T-C.
Other names: short protein forms T162A.
Identifiers: ClinVar variation 1254759 (VCV001254759.7), dbSNP rs200850450, ClinGen allele CA7613345.